The following is an entry in ClinVar:

NC_000001.11:g.(?_3396481)_(3404896_?)del

Gene: PRDM16 (PR/SET domain 16; plus strand). Cytogenetic location: 1p36.32.
Variant type: Deletion.
Identifiers: ClinVar variation 832158 (VCV000832158.7).

ClinVar aggregate classification (germline): Uncertain significance (1 of 4 stars; one submission).

Conditions:
Left ventricular noncompaction 8 (LVNC8). Identifiers: Orphanet 154, Orphanet 54260, MedGen C3809288, MONDO:0014152, OMIM 615373.

Submission:

Labcorp Genetics (formerly Invitae), Labcorp
Classification: Uncertain significance for Left ventricular noncompaction 8. Last evaluated: 2019-02-14. Review status: criteria provided, single submitter. Criteria: Invitae Variant Classification Sherloc (09022015). Collection method: clinical testing. Allele origin: germline.
Comment: This variant is an in-frame deletion of the genomic region encompassing exons 5-7 of the PRDM16 gene. It preserves the integrity of the reading frame. In summary, the available evidence is currently insufficient to determine the role of this variant in disease. Therefore, it has been classified as a Variant of Uncertain Significance. Experimental studies and prediction algorithms are not available for this variant, and the functional significance of the affected amino acid(s) is currently unknown. This variant has not been reported in the literature in individuals with PRDM16-related conditions.